The following is an entry in ClinVar:

NM_005378.6(MYCN):c.1171C>T (p.Arg391Cys)

Gene: MYCN (MYCN proto-oncogene, bHLH transcription factor; plus strand). Cytogenetic location: 2p24.3.
Variant type: single nucleotide variant.
Coding change: c.1171C>T on transcript NM_005378.6 (MANE Select); coding-DNA position 1171, C replaced by T.
Protein change: p.Arg391Cys; replaces arginine 391 with cysteine.
Molecular consequence: missense variant. On other transcripts: 3 prime UTR variant (1).
Genome position (GRCh38, 1-based): chr2:15,945,873, C>T. VCF-style: chr2-15945873-C-T. GRCh37 (hg19) VCF-style: chr2-16085995-C-T.
Other names: c.1171C>T, p.Arg391Cys (NM_001293228.2); c.538C>T, p.Arg180Cys (NM_001293231.2); c.*1106C>T (NM_001293233.2); short protein forms R180C, R391C.
Identifiers: ClinVar variation 3776293 (VCV003776293.1).

ClinVar aggregate classification (germline): Likely pathogenic (1 of 4 stars; one submission).

Conditions:
Feingold syndrome type 1 (FGLDS1). Also called: MICROCEPHALY, MENTAL RETARDATION, AND TRACHEOESOPHAGEAL FISTULA SYNDROME; MICROCEPHALY-OCULO-DIGITO-ESOPHAGEAL-DUODENAL SYNDROME; OCULODIGITOESOPHAGODUODENAL SYNDROME; ODED SYNDROME; MICROCEPHALY AND DIGITAL ABNORMALITIES WITH NORMAL INTELLIGENCE. Identifiers: Orphanet 1305, Orphanet 391641, MedGen C4551774, MONDO:0008115, OMIM 164280.

gnomAD v4.1: 1 of 1,614,084 alleles (0.000062%); highest among the groups gnomAD compares: Non-Finnish European, 0.000085%; no homozygotes.

Submission:

3billion
Classification: Likely pathogenic for Feingold syndrome type 1. Last evaluated: 2024-02-21. Review status: criteria provided, single submitter. Criteria: ACMG Guidelines, 2015. Collection method: clinical testing. Allele origin: germline. Affected: yes.
Comment: The variant is not observed in the gnomAD v2.1.1 dataset. Predicted Consequence/Location: Missense variant In silico tool predictions suggest damaging effect of the variant on gene or gene product [REVEL: 0.93 (>=0.6, sensitivity 0.68 and specificity 0.92); 3Cnet: 0.89 (>=0.6, sensitivity 0.72 and precision 0.9)]. Same nucleotide change resulting in same amino acid change has been previously reported to be associated with MYCN related disorder (PMID: 32925198).The variant has been reported to co-segregate with the disease in at least 5 similarly affected relatives/individuals in the same family or similarly affected unrelated families (PMID: 32925198). A different missense change at the same codon (p.Arg391Ser) has been reported to be associated with MYCN related disorder (ClinVar ID: VCV000975607). Therefore, this variant is classified as Likely pathogenic according to the recommendation of ACMG/AMP guideline.

Literature cited by the submitters: PubMed 32925198.